The following is an entry in ClinVar:

NM_030665.4(RAI1):c.3973C>T (p.Arg1325Trp)

Gene: RAI1 (retinoic acid induced 1; plus strand). Cytogenetic location: 17p11.2.
Variant type: single nucleotide variant.
Coding change: c.3973C>T on transcript NM_030665.4 (MANE Select); coding-DNA position 3973, C replaced by T.
Protein change: p.Arg1325Trp; replaces arginine 1325 with tryptophan.
Molecular consequence: missense variant.
Genome position (GRCh38, 1-based): chr17:17,796,921, C>T. VCF-style: chr17-17796921-C-T. GRCh37 (hg19) VCF-style: chr17-17700235-C-T.
Other names: short protein forms R1325W.
Identifiers: ClinVar variation 4998679 (VCV004998679.1).

ClinVar aggregate classification (germline): Uncertain significance (1 of 4 stars; one submission).

Conditions:
RAI1-related disorder. Also called: RAI1-related condition.

Submission:

PreventionGenetics, part of Exact Sciences
Classification: Uncertain significance for RAI1-related condition. Last evaluated: 2025-07-24. Review status: criteria provided, single submitter. Criteria: ACMG Guidelines, 2015. Collection method: clinical testing. Allele origin: germline.
Comment: The RAI1 c.3973C>T variant is predicted to result in the amino acid substitution p.Arg1325Trp. To our knowledge, this variant has not been reported in the literature or in a large population database (gnomAD), indicating this variant is rare. At this time, the clinical significance of this variant is uncertain due to the absence of conclusive functional and genetic evidence.